The following is an entry in ClinVar:

ClinVar aggregate classification (germline): Likely benign. Review status: criteria provided, multiple submitters, no conflicts (2 of 4 stars). 3 submissions from 3 submitters: Likely benign (3). Last evaluated 2025-03-01.

Conditions:
Hereditary cancer-predisposing syndrome. Also called: Neoplastic Syndromes, Hereditary; Tumor predisposition; Hereditary neoplastic syndrome; Hereditary Cancer Syndrome. Identifiers: Orphanet 140162, MedGen C0027672, MeSH D009386, MONDO:0015356.
Familial cancer of breast. Also called: hereditary breast carcinoma; BREAST CANCER, FAMILIAL; Hereditary breast cancer. Identifiers: Orphanet 227535, MedGen C0346153, MONDO:0016419, OMIM 114480. Disease mechanism: loss of function.

Submissions (3):

CeGaT Center for Human Genetics Tuebingen
Classification: Likely benign. Last evaluated: 2025-03-01. Review status: criteria provided, single submitter. Criteria: CeGaT Center For Human Genetics Tuebingen Variant Classification Criteria Version 2. Collection method: clinical testing. Allele origin: germline. Affected: yes. Observed: 1 variant allele.
Comment: PALB2: PM2:Supporting, BP4, BP7

Ambry Genetics
Classification: Likely benign for Hereditary cancer-predisposing syndrome. Last evaluated: 2024-03-30. Review status: criteria provided, single submitter. Criteria: Ambry Variant Classification Scheme 2023. Collection method: clinical testing. Allele origin: germline.

Labcorp Genetics (formerly Invitae), Labcorp
Classification: Likely benign for Familial cancer of breast. Last evaluated: 2020-09-11. Review status: criteria provided, single submitter. Criteria: Invitae Variant Classification Sherloc (09022015). Collection method: clinical testing. Allele origin: germline.

NM_024675.4(PALB2):c.2133T>G (p.Val711=)

Gene: PALB2 (partner and localizer of BRCA2; minus strand). Cytogenetic location: 16p12.2.
Variant type: single nucleotide variant.
Coding change: c.2133T>G on transcript NM_024675.4 (MANE Select); coding-DNA position 2133, T replaced by G.
Protein change: p.Val711=; no amino-acid change (valine 711 retained).
Molecular consequence: synonymous variant.
Genome position (GRCh38, 1-based): chr16:23,630,021, A>C on the plus strand (T>G on the coding strand, the complement: PALB2 is on the minus strand). VCF-style: chr16-23630021-A-C. GRCh37 (hg19) VCF-style: chr16-23641342-A-C.
Other names: c.2133T>G (NM_024675.3).
Identifiers: ClinVar variation 1105535 (VCV001105535.18), dbSNP rs2142380275, ClinGen allele CA494461162.